The following is an entry in ClinVar:

ClinVar aggregate classification (germline): Uncertain significance. Review status: criteria provided, multiple submitters, no conflicts (2 of 4 stars). 3 submissions from 3 submitters: Uncertain significance (3). Last evaluated 2025-10-01.

Conditions:
Inborn genetic diseases. Identifiers: MedGen C0950123, MeSH D030342.
Nephronophthisis. Also called: Juvenile Nephronophthisis. Identifiers: Orphanet 655, MedGen C0687120, MONDO:0019005, HP:0000090.
Senior-Loken syndrome 5 (SLSN5). Identifiers: Orphanet 3156, MedGen C1836517, MONDO:0012225, OMIM 609254.

Allele frequency attached by ClinVar (database versions not stated): gnomAD exomes below 0.00001; ExAC 0.00001; gnomAD 0.00001; TOPMed 0.00001.
gnomAD v4.1: 2 of 1,592,650 alleles (0.00013%); highest among the groups gnomAD compares: Admixed American, 0.0033%; no homozygotes.

Submissions (3):

Labcorp Genetics (formerly Invitae), Labcorp
Classification: Uncertain significance for Nephronophthisis. Last evaluated: 2025-10-01. Review status: criteria provided, single submitter. Criteria: Invitae Variant Classification Sherloc (09022015). Collection method: clinical testing. Allele origin: germline.
Comment: This sequence change replaces leucine, which is neutral and non-polar, with proline, which is neutral and non-polar, at codon 29 of the IQCB1 protein (p.Leu29Pro). This variant is present in population databases (rs760120237, gnomAD 0.003%). This variant has not been reported in the literature in individuals affected with IQCB1-related conditions. ClinVar contains an entry for this variant (Variation ID: 1479989). Invitae Evidence Modeling of protein sequence and biophysical properties (such as structural, functional, and spatial information, amino acid conservation, physicochemical variation, residue mobility, and thermodynamic stability) has been performed for this missense variant. However, the output from this modeling did not meet the statistical confidence thresholds required to predict the impact of this variant on IQCB1 protein function. In summary, the available evidence is currently insufficient to determine the role of this variant in disease. Therefore, it has been classified as a Variant of Uncertain Significance.

Ambry Genetics
Classification: Uncertain significance for Inborn genetic diseases. Last evaluated: 2025-04-08. Review status: criteria provided, single submitter. Criteria: Ambry Variant Classification Scheme 2023. Collection method: clinical testing. Allele origin: germline.

Fulgent Genetics
Classification: Uncertain significance for Senior-Loken syndrome 5. Last evaluated: 2024-05-04. Review status: criteria provided, single submitter. Criteria: ACMG Guidelines, 2015. Collection method: clinical testing. Allele origin: germline.

NM_001023570.4(IQCB1):c.86T>C (p.Leu29Pro)

Gene: IQCB1 (IQ motif containing B1; minus strand). Cytogenetic location: 3q13.33.
Variant type: single nucleotide variant.
Coding change: c.86T>C on transcript NM_001023570.4 (MANE Select); coding-DNA position 86, T replaced by C.
Protein change: p.Leu29Pro; replaces leucine 29 with proline.
Molecular consequence: missense variant. On other transcripts: non-coding transcript variant (1).
Genome position (GRCh38, 1-based): chr3:121,828,875, A>G on the plus strand (T>C on the coding strand, the complement: IQCB1 is on the minus strand). VCF-style: chr3-121828875-A-G. GRCh37 (hg19) VCF-style: chr3-121547722-A-G.
Other names: c.86T>C, p.Leu29Pro (NM_001023571.4, NM_001319107.2); c.86T>C (NM_001023570.2); short protein forms L29P.
Identifiers: ClinVar variation 1479989 (VCV001479989.8), dbSNP rs760120237, ClinGen allele CA2567525.
Genomic context (GRCh38, chr3:121,828,875, plus strand): 5'-CATTTTTCACTTAAAATGCTATCTAATCACAAAAAGATTTTCTTACCTTTTAACTTCAAC[A>G]GTATAACAGGGACATTCTGCTCAGGGCTTTTTGCAACTTCAGCAGCTATAGATAAGATCC-3'
Protein context (NP_001018864.2, residues 19-39): KSPEQNVPVI[Leu29Pro]LKLKEIINIT